The following is an entry in ClinVar:

ClinVar aggregate classification (germline): Uncertain significance (0 of 4 stars; one submission).

Conditions:
Carcinoma of colon (CRC). Also called: Colonic carcinoma; Colon carcinoma. Identifiers: MedGen C0699790, MONDO:0002032.

Submission:

Immunobiology Lab; University of Kashmir
Classification: Uncertain significance for Carcinoma of colon. Last evaluated: 2015-01-24. Review status: no assertion criteria provided. Collection method: case-control. Allele origin: somatic. Affected: yes. Study: Mutational Hotspot profiling of Tyrosine Kinase domain of VEGF receptors in Human colorectal tumors.
Comment: The variation(s) were confirmed by double pass sequencing of PCR products amplified from genomic DNA of colonic lesions fron colorectal patients

NM_182925.5(FLT4):c.2542+18del

Genes: FLT4 (fms related receptor tyrosine kinase 4; minus strand), LOC126807632 (CDK7 strongly-dependent group 2 enhancer GRCh37_chr5:180046831-180048030; plus strand). Cytogenetic location: 5q35.3.
Variant type: Deletion.
Coding change: c.2542+18del on transcript NM_182925.5 (MANE Select); 18 bases into the intron after coding-DNA position 2542, one base deleted (C; older notation c.2542+18delC).
Molecular consequence: intron variant.
Genome position (GRCh38, 1-based): chr5:180,620,155, G deleted on the plus strand (C on the coding strand, the reverse complement: FLT4 is on the minus strand); the first of 2 consecutive G bases (chr5:180,620,155-180,620,156); deleting either gives the same sequence. VCF-style (leftmost placement, unchanged base first): chr5-180620154-AG-A. GRCh37 (hg19) VCF-style: chr5-180047154-AG-A.
Other names: KM484809; c.2542+18del (NM_001354989.2, NM_002020.5).
Identifiers: ClinVar variation 204340 (VCV000204340.3), dbSNP rs796052098, ClinGen allele CA251273.